The following is an entry in ClinVar:

ClinVar aggregate classification (germline): Likely benign (1 of 4 stars; one submission).

Allele frequency attached by ClinVar (database versions not stated): 1000 Genomes Project 0.00180; 1000 Genomes Project 30x 0.00203; TOPMed 0.00523; ExAC 0.00594; gnomAD 0.00687; gnomAD exomes 0.00882.
gnomAD v4.1: 3,174 of 399,366 alleles (0.79%); highest among the groups gnomAD compares: Non-Finnish European, 0.93%; 25 homozygotes.

Submissions (9):

CeGaT Center for Human Genetics Tuebingen
Classification: Likely benign. Last evaluated: 2022-12-01. Review status: criteria provided, single submitter. Criteria: CeGaT Center For Human Genetics Tuebingen Variant Classification Criteria Version 2. Collection method: clinical testing. Allele origin: germline. Affected: yes. Observed: 1 variant allele.
Comment: ASDURF: BP4, BP7, BS2; ASNSD1: BS2

Dr. Peter K. Rogan Lab, Western University
No classification provided (evidence only). Condition: Cervical cancer. Review status: no classification provided. Collection method: in vitro. Allele origin: not applicable. Functional consequence: retained intron. Not counted in ClinVar's aggregate classification.

Dr. Peter K. Rogan Lab, Western University
No classification provided (evidence only). Condition: Sarcoma. Review status: no classification provided. Collection method: in vitro. Allele origin: not applicable. Functional consequence: retained intron. Not counted in ClinVar's aggregate classification.

Dr. Peter K. Rogan Lab, Western University
No classification provided (evidence only). Condition: Sarcoma. Review status: no classification provided. Collection method: in vitro. Allele origin: not applicable. Functional consequence: retained intron. Not counted in ClinVar's aggregate classification.

Dr. Peter K. Rogan Lab, Western University
No classification provided (evidence only). Condition: Ovarian serous cystadenocarcinoma. Review status: no classification provided. Collection method: in vitro. Allele origin: not applicable. Functional consequence: retained intron. Not counted in ClinVar's aggregate classification.

Dr. Peter K. Rogan Lab, Western University
No classification provided (evidence only). Condition: Ovarian serous cystadenocarcinoma. Review status: no classification provided. Collection method: in vitro. Allele origin: not applicable. Functional consequence: retained intron. Not counted in ClinVar's aggregate classification.

Dr. Peter K. Rogan Lab, Western University
No classification provided (evidence only). Condition: Ovarian serous cystadenocarcinoma. Review status: no classification provided. Collection method: in vitro. Allele origin: not applicable. Functional consequence: retained intron. Not counted in ClinVar's aggregate classification.

Dr. Peter K. Rogan Lab, Western University
No classification provided (evidence only). Condition: Ovarian serous cystadenocarcinoma. Review status: no classification provided. Collection method: in vitro. Allele origin: not applicable. Functional consequence: retained intron. Not counted in ClinVar's aggregate classification.

Dr. Peter K. Rogan Lab, Western University
No classification provided (evidence only). Condition: Malignant tumor of esophagus. Review status: no classification provided. Collection method: in vitro. Allele origin: not applicable. Functional consequence: retained intron. Not counted in ClinVar's aggregate classification.

NM_019048.4(ASNSD1):c.-226C>T

Genes: ASDURF (ASNSD1 upstream open reading frame; plus strand), ASNSD1 (asparagine synthetase domain containing 1; plus strand), LOC129935243 (ATAC-STARR-seq lymphoblastoid active region 16851; plus strand). Cytogenetic location: 2q32.2.
Variant type: single nucleotide variant.
Coding change: c.-226C>T on transcript NM_019048.4 (MANE Select); 226 bases upstream of the start codon, C replaced by T.
Molecular consequence: 5 prime UTR variant. On other transcripts: synonymous variant (2).
Genome position (GRCh38, 1-based): chr2:189,661,607, C>T. VCF-style: chr2-189661607-C-T. GRCh37 (hg19) VCF-style: chr2-190526333-C-T.
Other names: NC_000002.11:g.190526333C>T; c.87C>T, p.Ser29= (NM_001353493.2, NM_001353494.2); c.-172C>T (NM_001353497.2).
Identifiers: ClinVar variation 2651759 (VCV002651759.25), dbSNP rs187165993, ClinGen allele CA2024420.
Genomic context (GRCh38, chr2:189,661,607, plus strand): 5'-GGACAGCTCTGTGCTGATCCCCACCGACAATTCGACCCCACACAAGGAGGATCTAAGCAG[C>T]AAGGTGAGTGTGAGACGCGACGAAAAGGCTCCTGGACTCGGGACCGGGCGCCACTGGACC-3'